The following is an entry in ClinVar:

NM_000478.6(ALPL):c.416G>A (p.Cys139Tyr)

Gene: ALPL (alkaline phosphatase, biomineralization associated; plus strand). Cytogenetic location: 1p36.12.
Variant type: single nucleotide variant.
Coding change: c.416G>A on transcript NM_000478.6 (MANE Select); coding-DNA position 416, G replaced by A.
Protein change: p.Cys139Tyr; replaces cysteine 139 with tyrosine.
Molecular consequence: missense variant.
Genome position (GRCh38, 1-based): chr1:21,563,228, G>A. VCF-style: chr1-21563228-G-A. GRCh37 (hg19) VCF-style: chr1-21889721-G-A.
Other names: c.416G>A (NM_000478.4, NM_000478.5); c.251G>A, p.Cys84Tyr (NM_001127501.4); c.185G>A, p.Cys62Tyr (NM_001177520.3); c.416G>A, p.Cys139Tyr (NM_001369803.2, NM_001369804.2, NM_001369805.2); short protein forms C139Y, C84Y, C62Y.
Identifiers: ClinVar variation 1913267 (VCV001913267.12), dbSNP rs1644511209, ClinGen allele CA338877284.

ClinVar aggregate classification (germline): Conflicting classifications of pathogenicity. Review status: criteria provided, conflicting classifications (1 of 4 stars). 5 submissions from 5 submitters: Likely pathogenic (2); Uncertain significance (2). 1 of the submissions does not count toward it. Last evaluated 2026-04-01.

Conditions:
ALPL-related disorder. Also called: ALPL-related disorders; ALPL-related condition.
Hypophosphatasia. Also called: Phosphoethanol-aminuria. Identifiers: Orphanet 436, MedGen C0020630, MeSH D007014, MONDO:0018570.

Allele frequency attached by ClinVar (database versions not stated): gnomAD exomes below 0.00001.
gnomAD v4.1: 1 of 1,613,906 alleles (0.000062%); highest among the groups gnomAD compares: Non-Finnish European, 0.000085%; no homozygotes.

Submissions (5):

GeneDx
Classification: Likely pathogenic. Last evaluated: 2026-04-01. Review status: criteria provided, single submitter. Criteria: GeneDx Variant Classification Process June 2021. Collection method: clinical testing. Allele origin: germline.
Comment: Published functional studies demonstrate significantly reduced ALPL enzyme activity, consistent with a dominant-negative effect (PMID: 32160374); Reported in a patient with hypophosphatasia in published literature; clinical information is limited (PMID: 39983296); Not observed at significant frequency in large population cohorts (gnomAD); In silico analysis supports that this missense variant has a deleterious effect on protein structure/function; This variant is associated with the following publications: (PMID: 39983296, 32160374)

Genomenon, Inc
Classification: Likely pathogenic for Hypophosphatasia. Last evaluated: 2025-08-29. Review status: criteria provided, single submitter. Criteria: Genomenon Sequence Variant Interpretation Standards. Collection method: curation. Allele origin: germline. Affected: no.
Comment: ALPL c.416G>A is a missense variant that changes the amino acid at residue 139 from Cysteine to Tyrosine. This variant has not been reported in patients affected with hypophosphatasia in the published literature. At least one functional study has demonstrated a substantial alteration in protein function relative to the wild-type (PMID:32160374). It is absent or not present at a significant frequency in gnomAD. In silico models agree that this variant is possibly or probably damaging. In conclusion, we classify ALPL p.Cys139Tyr (c.416G>A) as a likely pathogenic variant.

Women's Health and Genetics/Laboratory Corporation of America, LabCorp
Classification: Uncertain significance. Last evaluated: 2025-05-29. Review status: criteria provided, single submitter. Criteria: LabCorp Variant Classification Summary - May 2015. Collection method: clinical testing. Allele origin: germline.
Comment: Variant summary: ALPL c.416G>A (p.Cys139Tyr) results in a non-conservative amino acid change in the encoded protein sequence. Algorithms developed to predict the effect of missense changes on protein structure and function all suggest that this variant is likely to be disruptive. The variant was absent in 250790 control chromosomes. c.416G>A has been observed in the heterozygous state in at least 1 individual(s) affected with Hypophosphatasia, Autosomal Dominant (ALPL Database). At least one publication reports experimental evidence evaluating an impact on protein function. The most pronounced variant effect results in approximately 10% of normal activity when this variant is expressed alone (example, delAngel_2020). The following publications have been ascertained in the context of this evaluation (PMID: 32160374, 37422472, 35320273). ClinVar contains an entry for this variant (Variation ID: 1913267). Based on the evidence outlined above, the variant was classified as VUS-possibly pathogenic.

Labcorp Genetics (formerly Invitae), Labcorp
Classification: Uncertain significance. Last evaluated: 2023-06-10. Review status: criteria provided, single submitter. Criteria: Invitae Variant Classification Sherloc (09022015). Collection method: clinical testing. Allele origin: germline.
Comment: This variant is not present in population databases (gnomAD no frequency). This sequence change replaces cysteine, which is neutral and slightly polar, with tyrosine, which is neutral and polar, at codon 139 of the ALPL protein (p.Cys139Tyr). This missense change has been observed in individual(s) with hypophosphatasia (PMID: 32160374). In summary, the available evidence is currently insufficient to determine the role of this variant in disease. Therefore, it has been classified as a Variant of Uncertain Significance. Experimental studies have shown that this missense change affects ALPL function (PMID: 32160374). Advanced modeling of protein sequence and biophysical properties (such as structural, functional, and spatial information, amino acid conservation, physicochemical variation, residue mobility, and thermodynamic stability) performed at Invitae indicates that this missense variant is expected to disrupt ALPL protein function. ClinVar contains an entry for this variant (Variation ID: 1913267).

PreventionGenetics, part of Exact Sciences
Classification: Likely pathogenic for ALPL-related condition. Last evaluated: 2024-01-11. Review status: no assertion criteria provided. Collection method: clinical testing. Allele origin: germline. Not counted in ClinVar's aggregate classification.
Comment: The ALPL c.416G>A variant is predicted to result in the amino acid substitution p.Cys139Tyr. Functional studies suggest that the p.Cys139Tyr variant led to reduced alkaline phosphatase activity (Table S1, Del Angel et al 2020. PubMed ID: 32160374) and is interpreted as uncertain in ALPL database. This variant has not been reported in a large population database, indicating this variant is rare. At PreventionGenetics, this variant was observed in two unrelated individuals tested for ALPL. In summary, this variant is interpreted as likely pathogenic.

Literature cited by the submitters: PubMed 32160374 (cited by 3 submitters); PubMed 35320273 (cited by Women's Health and Genetics/Laboratory Corporation of America, LabCorp); PubMed 37422472 (cited by Women's Health and Genetics/Laboratory Corporation of America, LabCorp).